The following is an entry in ClinVar:

NM_022552.5(DNMT3A):c.2474C>T (p.Ala825Val)

Gene: DNMT3A (DNA methyltransferase 3 alpha; minus strand). Cytogenetic location: 2p23.3.
Variant type: single nucleotide variant.
Coding change: c.2474C>T on transcript NM_022552.5 (MANE Select); coding-DNA position 2474, C replaced by T.
Protein change: p.Ala825Val; replaces alanine 825 with valine.
Molecular consequence: missense variant. On other transcripts: non-coding transcript variant (1).
Genome position (GRCh38, 1-based): chr2:25,236,940, G>A on the plus strand (C>T on the coding strand, the complement: DNMT3A is on the minus strand). VCF-style: chr2-25236940-G-A. GRCh37 (hg19) VCF-style: chr2-25459809-G-A.
Other names: c.2018C>T, p.Ala673Val (NM_001320893.1); c.1805C>T, p.Ala602Val (NM_001375819.1); c.1907C>T, p.Ala636Val (NM_153759.3); c.2474C>T, p.Ala825Val (NM_175629.2); short protein forms A673V, A825V, A602V, A636V.
Identifiers: ClinVar variation 2744155 (VCV002744155.3), dbSNP rs2465341281, ClinGen allele CA346068888.
Genomic context (GRCh38, chr2:25,236,940, plus strand): 5'-ATCCTGCCCTTCCTTCTCCCTGCCCCCCAGCAGAGGTTCTAGACGCTGGAGCTGACCTTG[G>A]CTATCCTGCCATGCTCCAGACACTCCTGCAGCTCCAGCTTATCATTCACAGTGGATGCCA-3'
Protein context (NP_072046.2, residues 815-835): LQECLEHGRI[Ala825Val]KFSKVRTITT

ClinVar aggregate classification (germline): Uncertain significance (1 of 4 stars; one submission).

Conditions:
Tatton-Brown-Rahman overgrowth syndrome. Also called: Tall stature-intellectual disability-facial dysmorphism syndrome; Tatton-Brown-Rahman syndrome. Identifiers: Orphanet 404443, MedGen C4014545, MONDO:0014382, OMIM 615879.

Submission:

Labcorp Genetics (formerly Invitae), Labcorp
Classification: Uncertain significance for Tatton-Brown-Rahman overgrowth syndrome. Last evaluated: 2023-07-17. Review status: criteria provided, single submitter. Criteria: Invitae Variant Classification Sherloc (09022015). Collection method: clinical testing. Allele origin: germline.
Comment: This sequence change replaces alanine, which is neutral and non-polar, with valine, which is neutral and non-polar, at codon 825 of the DNMT3A protein (p.Ala825Val). In summary, the available evidence is currently insufficient to determine the role of this variant in disease. Therefore, it has been classified as a Variant of Uncertain Significance. Advanced modeling of protein sequence and biophysical properties (such as structural, functional, and spatial information, amino acid conservation, physicochemical variation, residue mobility, and thermodynamic stability) performed at Invitae indicates that this missense variant is expected to disrupt DNMT3A protein function. This variant has not been reported in the literature in individuals affected with DNMT3A-related conditions. This variant is not present in population databases (gnomAD no frequency).